The following is an entry in ClinVar:

NM_006031.6(PCNT):c.4537C>T (p.Gln1513Ter)

Gene: PCNT (pericentrin; plus strand). Cytogenetic location: 21q22.3.
Variant type: single nucleotide variant.
Coding change: c.4537C>T on transcript NM_006031.6 (MANE Select); coding-DNA position 4537, C replaced by T.
Protein change: p.Gln1513Ter; replaces glutamine 1513 with a stop codon.
Molecular consequence: nonsense.
Genome position (GRCh38, 1-based): chr21:46,398,104, C>T. VCF-style: chr21-46398104-C-T. GRCh37 (hg19) VCF-style: chr21-47818018-C-T.
Other names: c.4183C>T, p.Gln1395Ter (NM_001315529.2); short protein forms Q1513*, Q1395*.
Identifiers: ClinVar variation 4993660 (VCV004993660.1).
Genomic context (GRCh38, chr21:46,398,104, plus strand): 5'-GAGGAGTTCCAGCAGGAGATTCAGAGGCTGGAGGGGCAGCTCCGCCAGGCGGCCAAGCCG[C>T]AGCCCTGGGGCCCTCGCGACAGCCAGGTGAGTCAGTGCAGCGTGCAGTGCTGCTGGTTGC-3'

ClinVar aggregate classification (germline): Likely pathogenic (1 of 4 stars; one submission).

Conditions:
PCNT-related disorder. Also called: PCNT-related condition.

gnomAD v4.1: 1 of 1,603,954 alleles (0.000062%); highest among the groups gnomAD compares: Non-Finnish European, 0.000085%; no homozygotes.

Submission:

PreventionGenetics, part of Exact Sciences
Classification: Likely pathogenic for PCNT-related condition. Last evaluated: 2026-06-18. Review status: criteria provided, single submitter. Criteria: ACMG Guidelines, 2015. Collection method: clinical testing. Allele origin: germline.
Comment: The PCNT c.4537C>T variant is predicted to result in premature protein termination (p.Gln1513*). To our knowledge, this variant has not been reported in the literature or in a large population database (gnomAD), indicating this variant is rare. Nonsense variants in PCNT are expected to be pathogenic. This variant is interpreted as likely pathogenic.